The following is an entry in ClinVar:

NM_032608.7(MYO18B):c.6430_6432del (p.Ser2144del)

Gene: MYO18B (myosin XVIIIB; plus strand). Cytogenetic location: 22q12.1.
Variant type: Deletion.
Coding change: c.6430_6432del on transcript NM_032608.7 (MANE Select); coding-DNA positions 6430 to 6432, 3 bases deleted (TCT; older notation c.6430_6432delTCT).
Protein change: p.Ser2144del; deletes serine 2144.
Molecular consequence: inframe deletion.
Genome position (GRCh38, 1-based): chr22:26,004,815-26,004,817, TCT deleted; deleting any 3 consecutive bases within chr22:26,004,813-26,004,817 gives the same sequence; the c. name uses the placement nearest the transcript's 3' end. VCF-style (leftmost placement, unchanged base first): chr22-26004812-CCTT-C. GRCh37 (hg19) VCF-style: chr22-26400778-CCTT-C.
Other names: c.6433_6435del, p.Ser2145del (NM_001318245.2); short protein forms S2145del, S2144del.
Identifiers: ClinVar variation 4700789 (VCV004700789.1).
Genomic context (GRCh38, chr22:26,004,812, plus strand): 5'-GGCAGCCTGCAGTCCTGGTTGAGCTGTACTCTGTCCCTGGCCACAGATACTATGAGGACT[CCTT>C]CTCGACAGTCAGCCACCAGCAGCCGCATCCTCAGCCCCAGGTAAGAGTATCTCCTTGCTG-3'

ClinVar aggregate classification (germline): Uncertain significance (1 of 4 stars; one submission).

Submission:

Labcorp Genetics (formerly Invitae), Labcorp
Classification: Uncertain significance. Last evaluated: 2025-03-18. Review status: criteria provided, single submitter. Criteria: Invitae Variant Classification Sherloc (09022015). Collection method: clinical testing. Allele origin: germline.
Comment: This variant, c.6430_6432del, results in the deletion of 1 amino acid(s) of the MYO18B protein (p.Ser2144del), but otherwise preserves the integrity of the reading frame. This variant is present in population databases (rs542037563, gnomAD 0.004%). This variant has not been reported in the literature in individuals affected with MYO18B-related conditions. Experimental studies and prediction algorithms are not available or were not evaluated, and the functional significance of this variant is currently unknown. In summary, the available evidence is currently insufficient to determine the role of this variant in disease. Therefore, it has been classified as a Variant of Uncertain Significance.